The following is an entry in ClinVar:

NM_152564.5(VPS13B):c.2419C>G (p.Leu807Val)

Gene: VPS13B (vacuolar protein sorting 13 homolog B; plus strand). Cytogenetic location: 8q22.2.
Variant type: single nucleotide variant.
Coding change: c.2419C>G on transcript NM_152564.5 (MANE Select); coding-DNA position 2419, C replaced by G.
Protein change: p.Leu807Val; replaces leucine 807 with valine.
Molecular consequence: missense variant.
Genome position (GRCh38, 1-based): chr8:99,192,961, C>G. VCF-style: chr8-99192961-C-G. GRCh37 (hg19) VCF-style: chr8-100205189-C-G.
Other names: c.2419C>G, p.Leu807Val (NM_015243.3, NM_017890.5); c.2419C>G (NM_017890.3, NM_152564.4); short protein forms L807V.
Identifiers: ClinVar variation 1447621 (VCV001447621.7), dbSNP rs780214074, ClinGen allele CA4822903.

ClinVar aggregate classification (germline): Uncertain significance. Review status: criteria provided, multiple submitters, no conflicts (2 of 4 stars). 3 submissions from 3 submitters: Uncertain significance (3). Last evaluated 2025-12-31.

Conditions:
Inborn genetic diseases. Identifiers: MedGen C0950123, MeSH D030342.
Cohen syndrome (COH1). Also called: PEPPER SYNDROME; Cutis verticis gyrata, retinitis pigmentosa, and sensorineural deafness. Identifiers: Orphanet 193, MedGen C0265223, MONDO:0008999, OMIM 216550.
VPS13B-related disorder. Also called: VPS13B-related condition.

Allele frequency attached by ClinVar (database versions not stated): ExAC 0.00002; gnomAD exomes 0.00002.
gnomAD v4.1: 11 of 1,613,718 alleles (0.00068%); highest among the groups gnomAD compares: Non-Finnish European, 0.00068%; no homozygotes.

Submissions (3):

PreventionGenetics, part of Exact Sciences
Classification: Uncertain significance for VPS13B-related condition. Last evaluated: 2025-12-31. Review status: criteria provided, single submitter. Criteria: ACMG Guidelines, 2015. Collection method: clinical testing. Allele origin: germline.
Comment: The VPS13B c.2419C>G variant is predicted to result in the amino acid substitution p.Leu807Val. To our knowledge, this variant has not been reported in the literature. This variant is reported in 0.0044% of alleles in individuals of European (Non-Finnish) descent in gnomAD. At this time, the clinical significance of this variant is uncertain due to the absence of conclusive functional and genetic evidence.

Ambry Genetics
Classification: Uncertain significance for Inborn genetic diseases. Last evaluated: 2025-08-07. Review status: criteria provided, single submitter. Criteria: Ambry Variant Classification Scheme 2023. Collection method: clinical testing. Allele origin: germline.

Labcorp Genetics (formerly Invitae), Labcorp
Classification: Uncertain significance for Cohen syndrome. Last evaluated: 2022-11-22. Review status: criteria provided, single submitter. Criteria: Invitae Variant Classification Sherloc (09022015). Collection method: clinical testing. Allele origin: germline.
Comment: This variant is present in population databases (rs780214074, gnomAD 0.004%). In summary, the available evidence is currently insufficient to determine the role of this variant in disease. Therefore, it has been classified as a Variant of Uncertain Significance. Advanced modeling of protein sequence and biophysical properties (such as structural, functional, and spatial information, amino acid conservation, physicochemical variation, residue mobility, and thermodynamic stability) performed at Invitae indicates that this missense variant is not expected to disrupt VPS13B protein function. ClinVar contains an entry for this variant (Variation ID: 1447621). This variant has not been reported in the literature in individuals affected with VPS13B-related conditions. This sequence change replaces leucine, which is neutral and non-polar, with valine, which is neutral and non-polar, at codon 807 of the VPS13B protein (p.Leu807Val).